The following is an entry in ClinVar:

ClinVar aggregate classification (germline): Uncertain significance (1 of 4 stars; one submission).

gnomAD v4.1: 41 of 1,614,188 alleles (0.0025%); highest among the groups gnomAD compares: African/African-American, 0.019%; no homozygotes.

Submission:

GeneDx
Classification: Uncertain significance. Last evaluated: 2024-08-02. Review status: criteria provided, single submitter. Criteria: GeneDx Variant Classification Process June 2021. Collection method: clinical testing. Allele origin: germline. Affected: yes.
Comment: In silico analysis supports that this missense variant has a deleterious effect on protein structure/function; Has not been previously published as pathogenic or benign to our knowledge

NM_018245.3(OGDHL):c.1040G>A (p.Arg347His)

Gene: OGDHL (oxoglutarate dehydrogenase L; minus strand). Cytogenetic location: 10q11.23.
Variant type: single nucleotide variant.
Coding change: c.1040G>A on transcript NM_018245.3 (MANE Select); coding-DNA position 1040, G replaced by A.
Protein change: p.Arg347His; replaces arginine 347 with histidine.
Molecular consequence: missense variant. On other transcripts: non-coding transcript variant (5).
Genome position (GRCh38, 1-based): chr10:49,747,156, C>T on the plus strand (G>A on the coding strand, the complement: OGDHL is on the minus strand). VCF-style: chr10-49747156-C-T. GRCh37 (hg19) VCF-style: chr10-50955202-C-T.
Other names: c.869G>A, p.Arg290His (NM_001143996.2, NM_001347820.1); c.413G>A, p.Arg138His (NM_001143997.2, NM_001347821.2, NM_001347822.1 and 1 more transcripts); c.1040G>A, p.Arg347His (NM_001347819.1, NM_001347823.1, NM_001347824.2); c.23G>A, p.Arg8His (NM_001347826.1); short protein forms R138H, R290H, R347H, R8H.
Identifiers: ClinVar variation 3602427 (VCV003602427.1).